The following is an entry in ClinVar:

ClinVar aggregate classification (germline): Uncertain significance (1 of 4 stars; one submission).

Submission:

Labcorp Genetics (formerly Invitae), Labcorp
Classification: Uncertain significance. Last evaluated: 2023-08-27. Review status: criteria provided, single submitter. Criteria: Invitae Variant Classification Sherloc (09022015). Collection method: clinical testing. Allele origin: germline.
Comment: In summary, the available evidence is currently insufficient to determine the role of this variant in disease. Therefore, it has been classified as a Variant of Uncertain Significance. Variants that disrupt the consensus splice site are a relatively common cause of aberrant splicing (PMID: 17576681, 9536098). Algorithms developed to predict the effect of sequence changes on RNA splicing suggest that this variant may disrupt the consensus splice site. Disruption of this splice site has been observed in individuals with optic atrophy (PMID: 33841295; Invitae). This variant is not present in population databases (gnomAD no frequency). This sequence change affects an acceptor splice site in intron 27 of the OPA1 gene. While this variant is not anticipated to result in nonsense mediated decay, it likely alters RNA splicing and results in a disrupted protein product.

Literature cited by the submitters: PubMed 17576681; PubMed 9536098; PubMed 33841295.

NM_130837.3(OPA1):c.2984-1G>C

Gene: OPA1 (OPA1 mitochondrial dynamin like GTPase; plus strand). Cytogenetic location: 3q29.
Variant type: single nucleotide variant.
Coding change: c.2984-1G>C on transcript NM_130837.3 (MANE Select); the canonical splice acceptor site of the intron before coding-DNA position 2984, G replaced by C.
Molecular consequence: splice acceptor variant.
Genome position (GRCh38, 1-based): chr3:193,692,062, G>C. VCF-style: chr3-193692062-G-C. GRCh37 (hg19) VCF-style: chr3-193409851-G-C.
Other names: c.2873-1G>C (NM_130834.3); c.2930-1G>C (NM_130836.3); c.2819-1G>C (NM_015560.3); c.2876-1G>C (NM_130835.3); c.2765-1G>C (NM_130832.3); c.2822-1G>C (NM_130833.3); c.2711-1G>C (NM_130831.3); c.2447-1G>C (NM_001354664.2); and 1 more.
Identifiers: ClinVar variation 2755672 (VCV002755672.3), dbSNP rs2475490239, ClinGen allele CA355873146.
Genomic context (GRCh38, chr3:193,692,062, plus strand): 5'-TACCTCCTGATTTGTGATACCTTTGAAAAATAAATGTTTTTCTTTATTTTTATCTCCACA[G>C]AGAAAGTTAGAGAAATTCAAGAAAAACTTGATGCTTTCATTGAAGCTCTTCATCAGGAGA-3'